The following is an entry in ClinVar:

NM_001042492.3(NF1):c.7421_7457+116del

Gene: NF1 (neurofibromin 1; plus strand). Cytogenetic location: 17q11.2.
Variant type: Deletion.
Coding change: c.7421_7457+116del on transcript NM_001042492.3 (MANE Select); coding-DNA position 7421 through 116 bases into the intron after coding-DNA position 7457, 153 bases deleted.
Molecular consequence: splice donor variant.
Genome position (GRCh38, 1-based): chr17:31,350,282-31,350,434, 153 bases deleted. GRCh37 (hg19): chr17:29,677,300-29,677,452.
Other names: c.7358_7394+116del (NM_000267.4).
Identifiers: ClinVar variation 4119055 (VCV004119055.1).

ClinVar aggregate classification (germline): Likely pathogenic (1 of 4 stars; one submission).

Conditions:
Cardiovascular phenotype. Identifiers: MedGen CN230736.
Hereditary cancer-predisposing syndrome. Also called: Hereditary neoplastic syndrome; Neoplastic Syndromes, Hereditary; Tumor predisposition; Hereditary Cancer Syndrome. Identifiers: Orphanet 140162, MedGen C0027672, MeSH D009386, MONDO:0015356.

Submission:

Ambry Genetics
Classification: Likely pathogenic for Cardiovascular phenotype; Hereditary cancer-predisposing syndrome. Last evaluated: 2025-06-16. Review status: criteria provided, single submitter. Criteria: Ambry Variant Classification Scheme 2023. Collection method: clinical testing. Allele origin: germline.
Comment: The c.7358_7394+116del153 variant results from a deletion of 153 nucleotides between positions c.7358 and c.7394+116 and involves the canonical splice donor site after coding exon 49 of the NF1 gene. This variant is considered to be rare based on population cohorts in the Genome Aggregation Database (gnomAD). The canonical splice donor site is highly conserved in available vertebrate species. In silico splice site analysis predicts that this alteration will weaken the native splice donor site and result in the creation or strengthening of a novel splice donor site; however, the exact impact of this deletion on NF1 splicing and function is currently unknown. Alterations that disrupt the canonical splice site are expected to cause aberrant splicing, resulting in an abnormal protein or a transcript that is subject to nonsense-mediated mRNA decay. As such, this alteration is classified as likely pathogenic.